The following is an entry in ClinVar:

ClinVar aggregate classification (germline): Likely pathogenic. Review status: criteria provided, multiple submitters, no conflicts (2 of 4 stars). 2 submissions from 2 submitters: Likely pathogenic (2). Last evaluated 2026-01-20.

Conditions:
Autosomal recessive polycystic kidney disease (ARPKD). Also called: AR polycystic kidney disease. Identifiers: Orphanet 731, Orphanet 8378, MedGen C0085548, MeSH D017044, MONDO:0009889.

Allele frequency attached by ClinVar (database versions not stated): gnomAD exomes below 0.00001.
gnomAD v4.1: 5 of 1,614,142 alleles (0.00031%); highest among the groups gnomAD compares: East Asian, 0.0089%; no homozygotes.

Submissions (2):

Labcorp Genetics (formerly Invitae), Labcorp
Classification: Likely pathogenic for Autosomal recessive polycystic kidney disease. Last evaluated: 2026-01-20. Review status: criteria provided, single submitter. Criteria: Invitae Variant Classification Sherloc (09022015). Collection method: clinical testing. Allele origin: germline.
Comment: This sequence change replaces cysteine, which is neutral and slightly polar, with tyrosine, which is neutral and polar, at codon 1561 of the PKHD1 protein (p.Cys1561Tyr). This variant is not present in population databases (gnomAD no frequency). This missense change has been observed in individual(s) with polycystic kidney disease (PMID: 33845788, 37795942). In at least one individual the data is consistent with being in trans (on the opposite chromosome) from a pathogenic variant. ClinVar contains an entry for this variant (Variation ID: 2157362). Invitae Evidence Modeling of protein sequence and biophysical properties (such as structural, functional, and spatial information, amino acid conservation, physicochemical variation, residue mobility, and thermodynamic stability) indicates that this missense variant is expected to disrupt PKHD1 protein function with a positive predictive value of 95%. In summary, the currently available evidence indicates that the variant is pathogenic, but additional data are needed to prove that conclusively. Therefore, this variant has been classified as Likely Pathogenic.

Natera, Inc.
Classification: Likely pathogenic for Autosomal recessive polycystic kidney disease. Last evaluated: 2025-12-22. Review status: criteria provided, single submitter. Criteria: Natera Variant Classification Schema (03/2026). Collection method: clinical testing. Allele origin: germline.
Comment: The c.4682G>A variant in PKHD1 is a missense variant predicted to cause substitution of cysteine to tyrosine at amino acid 1561. This variant is rare in the general population with a frequency below the threshold expected for the associated phenotype(s). This variant has been observed in one or more individuals affected with the associated recessive disease, as either homozygous or compound heterozygous with a second variant (PMID: 37795942, 33845788). Computational prediction algorithms indicate this variant is likely to affect gene or protein function. Given the available evidence, this variant is classified as Likely Pathogenic.

Literature cited by the submitters: PubMed 33845788 (cited by Labcorp Genetics (formerly Invitae), Labcorp and Natera, Inc.); PubMed 37795942 (cited by Labcorp Genetics (formerly Invitae), Labcorp and Natera, Inc.).

NM_138694.4(PKHD1):c.4682G>A (p.Cys1561Tyr)

Genes: PKHD1 (PKHD1 ciliary IPT domain containing fibrocystin/polyductin; minus strand), LOC126859690 (MED14-independent group 3 enhancer GRCh37_chr6:51888848-51890047; plus strand). Cytogenetic location: 6p12.2.
Variant type: single nucleotide variant.
Coding change: c.4682G>A on transcript NM_138694.4 (MANE Select); coding-DNA position 4682, G replaced by A.
Protein change: p.Cys1561Tyr; replaces cysteine 1561 with tyrosine.
Molecular consequence: missense variant.
Genome position (GRCh38, 1-based): chr6:52,025,128, C>T on the plus strand (G>A on the coding strand, the complement: PKHD1 is on the minus strand). VCF-style: chr6-52025128-C-T. GRCh37 (hg19) VCF-style: chr6-51889926-C-T.
Other names: c.4682G>A (NM_138694.3); c.4682G>A, p.Cys1561Tyr (NM_170724.3); short protein forms C1561Y.
Identifiers: ClinVar variation 2157362 (VCV002157362.7), dbSNP rs150032027, ClinGen allele CA364431885.